The following is an entry in ClinVar:

ClinVar aggregate classification (germline): Uncertain significance (1 of 4 stars; one submission).

gnomAD v4.1: 1 of 1,608,594 alleles (0.000062%); highest among the groups gnomAD compares: East Asian, 0.0022%; no homozygotes.

Submission:

GeneDx
Classification: Uncertain significance. Last evaluated: 2023-03-13. Review status: criteria provided, single submitter. Criteria: GeneDx Variant Classification Process June 2021. Collection method: clinical testing. Allele origin: germline. Affected: yes.
Comment: Not observed at significant frequency in large population cohorts (gnomAD); In silico analysis supports that this missense variant does not alter protein structure/function; Has not been previously published as pathogenic or benign to our knowledge

NM_001271938.2(MEGF8):c.7621G>A (p.Gly2541Ser)

Gene: MEGF8 (multiple EGF like domains 8; plus strand). Cytogenetic location: 19q13.2.
Variant type: single nucleotide variant.
Coding change: c.7621G>A on transcript NM_001271938.2 (MANE Select); coding-DNA position 7621, G replaced by A.
Protein change: p.Gly2541Ser; replaces glycine 2541 with serine.
Molecular consequence: missense variant.
Genome position (GRCh38, 1-based): chr19:42,375,858, G>A. VCF-style: chr19-42375858-G-A. GRCh37 (hg19) VCF-style: chr19-42880010-G-A.
Other names: c.7420G>A, p.Gly2474Ser (NM_001410.3); short protein forms G2474S, G2541S.
Identifiers: ClinVar variation 2579796 (VCV002579796.1), dbSNP rs543549761, ClinGen allele CA406140934.